The following is an entry in ClinVar:

NM_000208.4(INSR):c.2933T>A (p.Phe978Tyr)

Gene: INSR (insulin receptor; minus strand). Cytogenetic location: 19p13.2.
Variant type: single nucleotide variant.
Coding change: c.2933T>A on transcript NM_000208.4 (MANE Select); coding-DNA position 2933, T replaced by A.
Protein change: p.Phe978Tyr; replaces phenylalanine 978 with tyrosine.
Molecular consequence: missense variant.
Genome position (GRCh38, 1-based): chr19:7,128,864, A>T on the plus strand (T>A on the coding strand, the complement: INSR is on the minus strand). VCF-style: chr19-7128864-A-T. GRCh37 (hg19) VCF-style: chr19-7128875-A-T.
Other names: c.2897T>A, p.Phe966Tyr (NM_001079817.3); short protein forms F978Y, F966Y.
Identifiers: ClinVar variation 330449 (VCV000330449.8), dbSNP rs886054688, ClinGen allele CA10652868.

ClinVar aggregate classification (germline): Uncertain significance (1 of 4 stars; one submission).

Allele frequency attached by ClinVar (database versions not stated): gnomAD exomes below 0.00001; TOPMed below 0.00001.
gnomAD v4.1: 7 of 1,612,270 alleles (0.00043%); highest among the groups gnomAD compares: Non-Finnish European, 0.00042%; no homozygotes.

Submission:

Labcorp Genetics (formerly Invitae), Labcorp
Classification: Uncertain significance. Last evaluated: 2023-04-29. Review status: criteria provided, single submitter. Criteria: Invitae Variant Classification Sherloc (09022015). Collection method: clinical testing. Allele origin: germline.
Comment: This variant has not been reported in the literature in individuals affected with INSR-related conditions. In summary, the available evidence is currently insufficient to determine the role of this variant in disease. Therefore, it has been classified as a Variant of Uncertain Significance. Advanced modeling of protein sequence and biophysical properties (such as structural, functional, and spatial information, amino acid conservation, physicochemical variation, residue mobility, and thermodynamic stability) performed at Invitae indicates that this missense variant is not expected to disrupt INSR protein function. ClinVar contains an entry for this variant (Variation ID: 330449). This variant is present in population databases (no rsID available, gnomAD 0.0009%). This sequence change replaces phenylalanine, which is neutral and non-polar, with tyrosine, which is neutral and polar, at codon 978 of the INSR protein (p.Phe978Tyr).